The following is an entry in ClinVar:

ClinVar aggregate classification (germline): Pathogenic (1 of 4 stars; one submission).

Submission:

Labcorp Genetics (formerly Invitae), Labcorp
Classification: Pathogenic. Last evaluated: 2024-09-28. Review status: criteria provided, single submitter. Criteria: Invitae Variant Classification Sherloc (09022015). Collection method: clinical testing. Allele origin: germline.
Comment: This sequence change creates a premature translational stop signal (p.Ala699Leufs*19) in the LTBP4 gene. It is expected to result in an absent or disrupted protein product. Loss-of-function variants in LTBP4 are known to be pathogenic (PMID: 19836010, 22829427). This variant is not present in population databases (gnomAD no frequency). This variant has not been reported in the literature in individuals affected with LTBP4-related conditions. For these reasons, this variant has been classified as Pathogenic.

Literature cited by the submitters: PubMed 19836010; PubMed 22829427.

NM_001042545.2(LTBP4):c.2004_2005del (p.Ala669fs)

Gene: LTBP4 (latent transforming growth factor beta binding protein 4; plus strand). Cytogenetic location: 19q13.2.
Variant type: Microsatellite.
Coding change: c.2004_2005del on transcript NM_001042545.2 (MANE Select); coding-DNA positions 2004 to 2005, 2 bases deleted (TG; older notation c.2004_2005delTG).
Protein change: p.Ala669fs; shifts the reading frame from alanine 669.
Molecular consequence: frameshift variant.
Genome position (GRCh38, 1-based): chr19:40,611,345-40,611,346, TG deleted; deleting any 2 consecutive bases within chr19:40,611,343-40,611,346 gives the same sequence; the c. name uses the placement nearest the transcript's 3' end. VCF-style (leftmost placement, unchanged base first): chr19-40611342-CTG-C. GRCh37 (hg19) VCF-style: chr19-41117248-CTG-C.
Other names: c.2205_2206del, p.Ala736fs (NM_001042544.1); c.2094_2095del, p.Ala699fs (NM_003573.2); short protein forms A699fs, A736fs, A669fs.
Identifiers: ClinVar variation 3678185 (VCV003678185.2).